The following is an entry in ClinVar:

NM_139321.3(ATRN):c.215TGC[5] (p.Leu77del)

Genes: ATRN (attractin; plus strand), LOC130065331 (ATAC-STARR-seq lymphoblastoid silent region 12621; plus strand). Cytogenetic location: 20p13.
Variant type: Microsatellite.
Coding change: c.215TGC[5] on transcript NM_139321.3 (MANE Select); five copies in a row of the 3-base unit TGC starting at c.215; the reference has six copies in a row; one copy, 3 bases deleted.
Protein change: p.Leu77del; deletes leucine 77.
Molecular consequence: inframe deletion. On other transcripts: intron variant (1).
Genome position (GRCh38, 1-based): chr20:3,471,337-3,471,339, TGC deleted; deleting any 3 consecutive bases within chr20:3,471,320-3,471,339 gives the same sequence; the position shown is the placement nearest the transcript's 3' end. VCF-style (leftmost placement, unchanged base first): chr20-3471319-CGCT-C. GRCh37 (hg19) VCF-style: chr20-3451966-CGCT-C.
Other names: c.215TGC[5], p.Leu77del (NM_001323332.2, NM_139322.4); c.62+186GCT[5] (NM_001207047.3); short protein forms L77del.
Identifiers: ClinVar variation 3352615 (VCV003352615.1).

ClinVar aggregate classification (germline): Likely benign (0 of 4 stars; one submission).

Conditions:
ATRN-related disorder. Also called: ATRN-related condition.

Submission:

PreventionGenetics, part of Exact Sciences
Classification: Likely benign for ATRN-related condition. Last evaluated: 2024-09-11. Review status: no assertion criteria provided. Collection method: clinical testing. Allele origin: germline.
Comment: This variant is classified as likely benign based on ACMG/AMP sequence variant interpretation guidelines (Richards et al. 2015 PMID: 25741868, with internal and published modifications).